The following is an entry in ClinVar:

NM_000059.4(BRCA2):c.6253T>G (p.Leu2085Val)

Gene: BRCA2 (BRCA2 DNA repair associated; plus strand). Cytogenetic location: 13q13.1.
Variant type: single nucleotide variant.
Coding change: c.6253T>G on transcript NM_000059.4 (MANE Select); coding-DNA position 6253, T replaced by G.
Protein change: p.Leu2085Val; replaces leucine 2085 with valine.
Molecular consequence: missense variant.
Genome position (GRCh38, 1-based): chr13:32,340,608, T>G. VCF-style: chr13-32340608-T-G. GRCh37 (hg19) VCF-style: chr13-32914745-T-G.
Other names: short protein forms L2085V.
Identifiers: ClinVar variation 185761 (VCV000185761.19), dbSNP rs761996223, ClinGen allele CA023788.
Genomic context (GRCh38, chr13:32,340,608, plus strand): 5'-CAAGTTTCCATTTTAGAAAGTTCCTTACACAAAGTTAAGGGAGTGTTAGAGGAATTTGAT[T>G]TAATCAGAACTGAGCATAGTCTTCACTATTCACCTACGTCTAGACAAAATGTATCAAAAA-3'
Protein context (NP_000050.3, residues 2075-2095): KVKGVLEEFD[Leu2085Val]IRTEHSLHYS

ClinVar aggregate classification (germline): Conflicting classifications of pathogenicity. Review status: criteria provided, conflicting classifications (1 of 4 stars). 5 submissions from 5 submitters: Uncertain significance (4); Likely benign (1). Last evaluated 2025-07-10.

Conditions:
Hereditary cancer-predisposing syndrome. Also called: Hereditary neoplastic syndrome; Neoplastic Syndromes, Hereditary; Tumor predisposition; Hereditary Cancer Syndrome. Identifiers: Orphanet 140162, MedGen C0027672, MeSH D009386, MONDO:0015356.
Hereditary breast ovarian cancer syndrome. Also called: Hereditary breast and ovarian cancer syndrome (HBOC); Breast and ovarian cancer; Hereditary breast and/or ovarian cancer syndrome; BRCA1- and BRCA2-Associated Hereditary Breast and Ovarian Cancer; Hereditary breast and ovarian cancer syndrome; Hereditary breast and ovarian cancer. Identifiers: Orphanet 145, MedGen C0677776, MeSH D061325, MONDO:0003582. Disease mechanism: loss of function.

Allele frequency attached by ClinVar (database versions not stated): gnomAD exomes below 0.00001; ExAC 0.00001.
gnomAD v4.1: 2 of 1,607,720 alleles (0.00012%); highest among the groups gnomAD compares: South Asian, 0.0011%; no homozygotes.

Submissions (5):

Color Diagnostics, LLC DBA Color Health
Classification: Uncertain significance for Hereditary cancer-predisposing syndrome. Last evaluated: 2025-07-10. Review status: criteria provided, single submitter. Criteria: ACMG Guidelines, 2015. Collection method: clinical testing. Allele origin: germline.
Comment: This missense variant replaces leucine with valine at codon 2085 of the BRCA2 protein. Computational prediction suggests that this variant may not impact protein structure and function. To our knowledge, functional studies have not been reported for this variant. Multifactorial analysis has reached a combined likelihood ratio (LR) of 1.686 based on reported LR for co-occurrence with a pathogenic variant and personal and family history for 1 carrier(s) (PMID: 31853058). This variant has been identified in 1/246122 chromosomes in the general population by the Genome Aggregation Database (gnomAD). The available evidence is insufficient to determine the role of this variant in disease conclusively. Therefore, this variant is classified as a Variant of Uncertain Significance.

Labcorp Genetics (formerly Invitae), Labcorp
Classification: Uncertain significance for Hereditary breast ovarian cancer syndrome. Last evaluated: 2025-06-09. Review status: criteria provided, single submitter. Criteria: Invitae Variant Classification Sherloc (09022015). Collection method: clinical testing. Allele origin: germline.
Comment: This sequence change replaces leucine, which is neutral and non-polar, with valine, which is neutral and non-polar, at codon 2085 of the BRCA2 protein (p.Leu2085Val). This variant is present in population databases (rs761996223, gnomAD 0.0009%). This variant has not been reported in the literature in individuals affected with BRCA2-related conditions. ClinVar contains an entry for this variant (Variation ID: 185761). Invitae Evidence Modeling of protein sequence and biophysical properties (such as structural, functional, and spatial information, amino acid conservation, physicochemical variation, residue mobility, and thermodynamic stability) indicates that this missense variant is not expected to disrupt BRCA2 protein function with a negative predictive value of 95%. In summary, the available evidence is currently insufficient to determine the role of this variant in disease. Therefore, it has been classified as a Variant of Uncertain Significance.

GeneDx
Classification: Uncertain significance. Last evaluated: 2024-05-29. Review status: criteria provided, single submitter. Criteria: GeneDx Variant Classification Process June 2021. Collection method: clinical testing. Allele origin: germline. Affected: yes.
Comment: Not observed at significant frequency in large population cohorts (gnomAD); Identified in individuals referred for multi-gene panel testing with personal or family history of cancer (PMID: 31853058); In silico analysis indicates that this missense variant does not alter protein structure/function; Also known as 6481T>G; This variant is associated with the following publications: (PMID: 29884841, 32377563, 31853058)

University of Washington Department of Laboratory Medicine, University of Washington
Classification: Likely benign for Hereditary cancer-predisposing syndrome. Last evaluated: 2023-03-23. Review status: criteria provided, single submitter. Criteria: Dines et al. (Genet Med. 2020). Collection method: curation. Allele origin: germline.
Comment: Missense variant in a coldspot region where missense variants are very unlikely to be pathogenic (PMID:31911673).

BRCA2 exon 11 coldspot. Reclassification based on statistical prior probability.

Ambry Genetics
Classification: Uncertain significance for Hereditary cancer-predisposing syndrome. Last evaluated: 2020-08-25. Review status: criteria provided, single submitter. Criteria: Ambry Variant Classification Scheme 2023. Collection method: clinical testing. Allele origin: germline.
Comment: The p.L2085V variant (also known as c.6253T>G), located in coding exon 10 of the BRCA2 gene, results from a T to G substitution at nucleotide position 6253. The leucine at codon 2085 is replaced by valine, an amino acid with highly similar properties. This amino acid position is not well conserved in available vertebrate species. In addition, this alteration is predicted to be tolerated by in silico analysis. Since supporting evidence is limited at this time, the clinical significance of this alteration remains unclear.

Literature cited by the submitters: PubMed 31853058 (cited by Color Diagnostics, LLC DBA Color Health); PubMed 29884841 (cited by Ambry Genetics).